The following is an entry in ClinVar:

NM_003476.5(CSRP3):c.113T>C (p.Met38Thr)

Gene: CSRP3 (cysteine and glycine rich protein 3; minus strand). Cytogenetic location: 11p15.1.
Variant type: single nucleotide variant.
Coding change: c.113T>C on transcript NM_003476.5 (MANE Select); coding-DNA position 113, T replaced by C.
Protein change: p.Met38Thr; replaces methionine 38 with threonine.
Molecular consequence: missense variant. On other transcripts: intron variant (1).
Genome position (GRCh38, 1-based): chr11:19,188,304, A>G on the plus strand (T>C on the coding strand, the complement: CSRP3 is on the minus strand). VCF-style: chr11-19188304-A-G. GRCh37 (hg19) VCF-style: chr11-19209851-A-G.
Other names: c.113T>C (NM_003476.3); c.113-1956T>C (NM_001369404.1); short protein forms M38T.
Identifiers: ClinVar variation 543040 (VCV000543040.9), dbSNP rs796360127, ClinGen allele CA218633685.

ClinVar aggregate classification (germline): Uncertain significance. Review status: criteria provided, multiple submitters, no conflicts (2 of 4 stars). 2 submissions from 2 submitters: Uncertain significance (2). Last evaluated 2026-05-28.

Conditions:
Cardiovascular phenotype. Identifiers: MedGen CN230736.
Hypertrophic cardiomyopathy 12. Identifiers: MedGen C2677491, MONDO:0012804, OMIM 612124.
Dilated cardiomyopathy 1M (CMD1M). Identifiers: Orphanet 154, MedGen C1843808, MONDO:0011840, OMIM 607482.

Allele frequency attached by ClinVar (database versions not stated): gnomAD exomes below 0.00001 and 0.00001.
gnomAD v4.1: 3 of 1,612,160 alleles (0.00019%); highest among the groups gnomAD compares: Non-Finnish European, 0.00025%; no homozygotes.

Submissions (2):

Ambry Genetics
Classification: Uncertain significance for Cardiovascular phenotype. Last evaluated: 2026-05-28. Review status: criteria provided, single submitter. Criteria: Ambry Variant Classification Scheme 2023. Collection method: clinical testing. Allele origin: germline.
Comment: The p.M38T variant (also known as c.113T>C), located in coding exon 2 of the CSRP3 gene, results from a T to C substitution at nucleotide position c.113. This variant impacts the first base pair of coding exon 2. The methionine at codon 38 is replaced by threonine, an amino acid with similar properties. This amino acid position is highly conserved in available vertebrate species. In addition, the in silico prediction for this alteration is inconclusive. Based on the available evidence, the clinical significance of this variant remains unclear.

Labcorp Genetics (formerly Invitae), Labcorp
Classification: Uncertain significance for Hypertrophic cardiomyopathy 12; Dilated cardiomyopathy 1M. Last evaluated: 2017-08-15. Review status: criteria provided, single submitter. Criteria: Invitae Variant Classification Sherloc (09022015). Collection method: clinical testing. Allele origin: germline.
Comment: In summary, the available evidence is currently insufficient to determine the role of this variant in disease. Therefore, it has been classified as a Variant of Uncertain Significance. Algorithms developed to predict the effect of missense changes on protein structure and function (SIFT, PolyPhen-2, Align-GVGD) all suggest that this variant is likely to be tolerated, but these predictions have not been confirmed by published functional studies and their clinical significance is uncertain. This variant has not been reported in the literature in individuals with CSRP3-related disease. This variant is not present in population databases (ExAC no frequency). This sequence change replaces methionine with threonine at codon 38 of the CSRP3 protein (p.Met38Thr). The methionine residue is highly conserved and there is a moderate physicochemical difference between methionine and threonine.